The following is an entry in ClinVar:

NM_000152.5(GAA):c.2738C>G (p.Pro913Arg)

Gene: GAA (alpha glucosidase; plus strand). Cytogenetic location: 17q25.3.
Variant type: single nucleotide variant.
Coding change: c.2738C>G on transcript NM_000152.5 (MANE Select); coding-DNA position 2738, C replaced by G.
Protein change: p.Pro913Arg; replaces proline 913 with arginine.
Molecular consequence: missense variant.
Genome position (GRCh38, 1-based): chr17:80,118,744, C>G. VCF-style: chr17-80118744-C-G. GRCh37 (hg19) VCF-style: chr17-78092543-C-G.
Other names: c.2738C>G, p.Pro913Arg (NM_001079803.3, NM_001079804.3); short protein forms P913R.
Identifiers: ClinVar variation 1700765 (VCV001700765.6), dbSNP rs1480070037, ClinGen allele CA401327099.
Genomic context (GRCh38, chr17:80,118,744, plus strand): 5'-CCAGTGAGGGAGCTGGCCTGCAGCTGCAGAAGGTGACTGTCCTGGGCGTGGCCACGGCGC[C>G]CCAGCAGGTCCTCTCCAACGGTGTCCCTGTCTCCAACTTCACCTACAGCCCCGACACCAA-3'
Protein context (NP_000143.2, residues 903-923): KVTVLGVATA[Pro913Arg]QQVLSNGVPV

ClinVar aggregate classification (germline): Conflicting classifications of pathogenicity. Review status: criteria provided, conflicting classifications (1 of 4 stars). 3 submissions from 3 submitters: Likely pathogenic (1); Uncertain significance (2). Last evaluated 2026-07-01.

Conditions:
Glycogen storage disease, type II (IOPD). Also called: CARDIOMEGALIA GLYCOGENICA DIFFUSA; GLYCOGENOSIS, GENERALIZED, CARDIAC FORM; GSD II; Glycogen storage disease type 2; Acid maltase deficiency disease; Aglucosidase alfa. Identifiers: Orphanet 365, MedGen C0017921, MONDO:0009290, OMIM 232300.

Allele frequency attached by ClinVar (database versions not stated): TOPMed below 0.00001; gnomAD 0.00001.
gnomAD v4.1: 1 of 1,613,368 alleles (0.000062%); highest among the groups gnomAD compares: Non-Finnish European, 0.000085%; no homozygotes.

Submissions (3):

Genomenon, Inc
Classification: Uncertain significance for Glycogen storage disease, type II. Last evaluated: 2026-07-01. Review status: criteria provided, single submitter. Criteria: Genomenon Sequence Variant Interpretation Standards - Updated. Collection method: curation. Allele origin: germline. Affected: yes.
Comment: GAA p.Pro913Arg (c.2738C>G) is a missense variant that changes the amino acid at codon 913 from Proline to Arginine. This variant has been observed in at least one proband with a GAA-related disorder in the compound heterozygous and/or homozygous state (PMID:22676651). It is absent or not present at a significant frequency in gnomAD. In silico models predict that this variant is possibly or probably damaging. In conclusion, we classify GAA p.Pro913Arg (c.2738C>G) as a variant of uncertain significance.

Labcorp Genetics (formerly Invitae), Labcorp
Classification: Uncertain significance for Glycogen storage disease, type II. Last evaluated: 2025-09-20. Review status: criteria provided, single submitter. Criteria: Invitae Variant Classification Sherloc (09022015). Collection method: clinical testing. Allele origin: germline.
Comment: This sequence change replaces proline, which is neutral and non-polar, with arginine, which is basic and polar, at codon 913 of the GAA protein (p.Pro913Arg). The frequency data for this variant in the population databases is considered unreliable, as metrics indicate poor data quality at this position in the gnomAD database. This missense change has been observed in individual(s) with pompe disease (PMID: 22676651, 29046207). In at least one individual the data is consistent with being in trans (on the opposite chromosome) from a pathogenic variant. ClinVar contains an entry for this variant (Variation ID: 1700765). Invitae Evidence Modeling of protein sequence and biophysical properties (such as structural, functional, and spatial information, amino acid conservation, physicochemical variation, residue mobility, and thermodynamic stability) has been performed for this missense variant. However, the output from this modeling did not meet the statistical confidence thresholds required to predict the impact of this variant on GAA protein function. In summary, the available evidence is currently insufficient to determine the role of this variant in disease. Therefore, it has been classified as a Variant of Uncertain Significance.

GeneDx
Classification: Likely pathogenic. Last evaluated: 2024-09-06. Review status: criteria provided, single submitter. Criteria: GeneDx Variant Classification Process June 2021. Collection method: clinical testing. Allele origin: germline. Affected: yes.
Comment: Not observed at significant frequency in large population cohorts (gnomAD); In silico analysis supports that this missense variant has a deleterious effect on protein structure/function; This variant is associated with the following publications: (PMID: 22253258, 19343043, 22676651)

Literature cited by the submitters: PubMed 22676651 (cited by Genomenon, Inc and Labcorp Genetics (formerly Invitae), Labcorp); PubMed 29046207 (cited by Labcorp Genetics (formerly Invitae), Labcorp).